The following is an entry in ClinVar:

NM_182914.3(SYNE2):c.18473C>G (p.Thr6158Arg)

Gene: SYNE2 (spectrin repeat containing nuclear envelope protein 2; plus strand). Cytogenetic location: 14q23.2.
Variant type: single nucleotide variant.
Coding change: c.18473C>G on transcript NM_182914.3 (MANE Select); coding-DNA position 18473, C replaced by G.
Protein change: p.Thr6158Arg; replaces threonine 6158 with arginine.
Molecular consequence: missense variant.
Genome position (GRCh38, 1-based): chr14:64,209,511, C>G. VCF-style: chr14-64209511-C-G. GRCh37 (hg19) VCF-style: chr14-64676229-C-G.
Other names: c.18473C>G, p.Thr6158Arg (NM_015180.6); short protein forms T6158R.
Identifiers: ClinVar variation 2694109 (VCV002694109.3), dbSNP rs750351980, ClinGen allele CA389949912.

ClinVar aggregate classification (germline): Uncertain significance (1 of 4 stars; one submission).

Conditions:
Emery-Dreifuss muscular dystrophy 5, autosomal dominant (EDMD5). Also called: EMERY-DREIFUSS MUSCULAR DYSTROPHY 5. Identifiers: Orphanet 261, MedGen C2751805, MONDO:0013072, OMIM 612999.

Submission:

Labcorp Genetics (formerly Invitae), Labcorp
Classification: Uncertain significance for Emery-Dreifuss muscular dystrophy 5, autosomal dominant. Last evaluated: 2023-11-07. Review status: criteria provided, single submitter. Criteria: Invitae Variant Classification Sherloc (09022015). Collection method: clinical testing. Allele origin: germline.
Comment: This sequence change replaces threonine, which is neutral and polar, with arginine, which is basic and polar, at codon 6158 of the SYNE2 protein (p.Thr6158Arg). This variant is not present in population databases (gnomAD no frequency). This variant has not been reported in the literature in individuals affected with SYNE2-related conditions. An algorithm developed to predict the effect of missense changes on protein structure and function (PolyPhen-2) suggests that this variant is likely to be disruptive. In summary, the available evidence is currently insufficient to determine the role of this variant in disease. Therefore, it has been classified as a Variant of Uncertain Significance.